The following is an entry in ClinVar:

NM_032242.4(PLXNA1):c.4431T>A (p.Ile1477=)

Gene: PLXNA1 (plexin A1; plus strand). Cytogenetic location: 3q21.3.
Variant type: single nucleotide variant.
Coding change: c.4431T>A on transcript NM_032242.4 (MANE Select); coding-DNA position 4431, T replaced by A.
Protein change: p.Ile1477=; no amino-acid change (isoleucine 1477 retained).
Molecular consequence: synonymous variant.
Genome position (GRCh38, 1-based): chr3:127,028,008, T>A. VCF-style: chr3-127028008-T-A. GRCh37 (hg19) VCF-style: chr3-126746851-T-A.
Identifiers: ClinVar variation 3356028 (VCV003356028.1).

ClinVar aggregate classification (germline): Likely benign (0 of 4 stars; one submission).

Conditions:
PLXNA1-related disorder. Also called: PLXNA1-related condition.

gnomAD v4.1: 2 of 1,614,016 alleles (0.00012%); highest among the groups gnomAD compares: Non-Finnish European, 0.00017%; no homozygotes.

Submission:

PreventionGenetics, part of Exact Sciences
Classification: Likely benign for PLXNA1-related condition. Last evaluated: 2023-05-19. Review status: no assertion criteria provided. Collection method: clinical testing. Allele origin: germline.
Comment: This variant is classified as likely benign based on ACMG/AMP sequence variant interpretation guidelines (Richards et al. 2015 PMID: 25741868, with internal and published modifications).